The following is an entry in ClinVar:

NM_006019.4(TCIRG1):c.1515C>T (p.Thr505=)

Gene: TCIRG1 (T cell immune regulator 1, ATPase H+ transporting V0 subunit a3; plus strand). Cytogenetic location: 11q13.2.
Variant type: single nucleotide variant.
Coding change: c.1515C>T on transcript NM_006019.4 (MANE Select); coding-DNA position 1515, C replaced by T.
Protein change: p.Thr505=; no amino-acid change (threonine 505 retained).
Molecular consequence: synonymous variant.
Genome position (GRCh38, 1-based): chr11:68,047,933, C>T. VCF-style: chr11-68047933-C-T. GRCh37 (hg19) VCF-style: chr11-67815400-C-T.
Other names: p.Thr505=; c.621C>T, p.Thr207= (NM_001351059.2); c.867C>T, p.Thr289= (NM_006053.4).
Identifiers: ClinVar variation 194236 (VCV000194236.54), dbSNP rs34211419, ClinGen allele CA240099.

ClinVar aggregate classification (germline): Benign/Likely benign. Review status: criteria provided, multiple submitters, no conflicts (2 of 4 stars). 13 submissions from 13 submitters: Benign (4); Likely benign (6). 3 of the submissions do not count toward it. Last evaluated 2026-06-01.

Conditions:
Autosomal recessive osteopetrosis 1. Also called: ALBERS-SCHONBERG DISEASE, AUTOSOMAL RECESSIVE; TCIRG1-Related Osteopetrosis; TCIRG1-Related Autosomal Recessive Osteopetrosis. Identifiers: Orphanet 667, MedGen C1850127, MONDO:0009815, OMIM 259700.

Allele frequency attached by ClinVar (database versions not stated): 1000 Genomes Project 0.00220; 1000 Genomes Project 30x 0.00250; gnomAD 0.00447 and 0.00473; gnomAD exomes 0.00469 and 0.00614; TOPMed 0.00499; ExAC 0.00507; ESP Exome Variant Server 0.00516.

Submissions (13):

CeGaT Center for Human Genetics Tuebingen
Classification: Likely benign. Last evaluated: 2026-06-01. Review status: criteria provided, single submitter. Criteria: CeGaT Center For Human Genetics Tuebingen Variant Classification Criteria Version 2. Collection method: clinical testing. Allele origin: germline. Affected: yes. Observed: 7 variant alleles.
Comment: TCIRG1: BP4, BP7, BS2

Labcorp Genetics (formerly Invitae), Labcorp
Classification: Benign. Last evaluated: 2026-02-01. Review status: criteria provided, single submitter. Criteria: Invitae Variant Classification Sherloc (09022015). Collection method: clinical testing. Allele origin: germline.

Mayo Clinic Laboratories, Mayo Clinic
Classification: Likely benign. Last evaluated: 2025-10-17. Review status: criteria provided, single submitter. Criteria: ACMG Guidelines, 2015. Collection method: clinical testing. Allele origin: germline. Observed: 1 variant allele.
Comment: BS1, BP4, BP7

Blueprint Genetics
Classification: Likely benign. Last evaluated: 2024-11-22. Review status: criteria provided, single submitter. Criteria: ACMG Guidelines, 2015. Collection method: clinical testing. Allele origin: germline.

Fulgent Genetics
Classification: Likely benign for Autosomal recessive osteopetrosis 1. Last evaluated: 2022-01-28. Review status: criteria provided, single submitter. Criteria: ACMG Guidelines, 2015. Collection method: clinical testing. Allele origin: unknown.

Genome-Nilou Lab
Classification: Benign for Autosomal recessive osteopetrosis 1. Last evaluated: 2021-07-22. Review status: criteria provided, single submitter. Criteria: ACMG Guidelines, 2015. Collection method: clinical testing. Allele origin: germline. Affected: no.

Pars Genome Lab
Classification: Benign for Autosomal recessive osteopetrosis 1. Last evaluated: 2021-05-18. Review status: criteria provided, single submitter. Criteria: ACMG Guidelines, 2015. Collection method: clinical testing. Allele origin: germline. Affected: no.

Illumina Laboratory Services, Illumina
Classification: Likely benign for Autosomal recessive osteopetrosis 1. Last evaluated: 2018-01-13. Review status: criteria provided, single submitter. Criteria: ICSL Variant Classification Criteria 13 December 2019. Collection method: clinical testing. Allele origin: germline.
Comment: This variant was observed in the ICSL laboratory as part of a predisposition screen in an ostensibly healthy population. It had not been previously curated by ICSL or reported in the Human Gene Mutation Database (HGMD: prior to June 1st, 2018), and was therefore a candidate for classification through an automated scoring system. Utilizing variant allele frequency, disease prevalence and penetrance estimates, and inheritance mode, an automated score was calculated to assess if this variant is too frequent to cause the disease. Based on the score and internal cut-off values, a variant classified as likely benign is not then subjected to further curation. The score for this variant resulted in a classification of likely benign for this disease.

Eurofins Ntd Llc (ga)
Classification: Benign. Last evaluated: 2014-12-08. Review status: criteria provided, single submitter. Criteria: EGL Classification Definitions 2015. Collection method: clinical testing. Allele origin: germline. Observed: 2 variant alleles, 2 heterozygotes.

Breakthrough Genomics
Classification: Likely benign. Review status: criteria provided, single submitter. Criteria: ACMG Guidelines, 2015. Collection method: not provided. Allele origin: germline. Inheritance: Autosomal recessive inheritance. Affected: yes.

Natera, Inc.
Classification: Benign for Infantile malignant osteopetrosis. Last evaluated: 2020-09-16. Review status: no assertion criteria provided. Collection method: clinical testing. Allele origin: germline. Not counted in ClinVar's aggregate classification.

Clinical Genetics DNA and cytogenetics Diagnostics Lab, Erasmus MC, Erasmus Medical Center
Classification: Likely benign. Review status: no assertion criteria provided. Collection method: clinical testing. Allele origin: germline. Affected: yes. Study: VKGL Data-share Consensus. Not counted in ClinVar's aggregate classification.

Genome Diagnostics Laboratory, University Medical Center Utrecht
Classification: Likely benign. Review status: no assertion criteria provided. Collection method: clinical testing. Allele origin: germline. Affected: yes. Study: VKGL Data-share Consensus. Not counted in ClinVar's aggregate classification.